The following is an entry in ClinVar:

ClinVar aggregate classification (germline): Likely pathogenic (1 of 4 stars; one submission).

Conditions:
Argininosuccinate lyase deficiency. Also called: ARGININOSUCCINIC ACID LYASE DEFICIENCY; ASL DEFICIENCY; Argininosuccinic aciduria. Identifiers: Orphanet 23, MedGen C0268547, MONDO:0008815, OMIM 207900, HP:0025630.

Submission:

Myriad Genetics, Inc.
Classification: Likely pathogenic for Argininosuccinate lyase deficiency. Last evaluated: 2021-12-30. Review status: criteria provided, single submitter. Criteria: Myriad Women's Health Autosomal Recessive and X-Linked Classification Criteria (2021). Collection method: clinical testing. Allele origin: unknown.
Comment: NM_001024943.1(ASL):c.999_1000delTG(F333Lfs*39) is expected to be pathogenic in the context of argininosuccinic aciduria. This variant is predicted to lead to an abnormal or absent protein product due to the creation of a premature termination codon in ASL, a gene where loss-of-function variants are known to be pathogenic. Please note: this variant was assessed in the context of healthy population screening.

NM_000048.4(ASL):c.999_1000del (p.Phe333fs)

Gene: ASL (argininosuccinate lyase; plus strand). Cytogenetic location: 7q11.21.
Variant type: Deletion.
Coding change: c.999_1000del on transcript NM_000048.4 (MANE Select); coding-DNA positions 999 to 1000, 2 bases deleted (TG; older notation c.999_1000delTG).
Protein change: p.Phe333fs; shifts the reading frame from phenylalanine 333.
Molecular consequence: frameshift variant.
Genome position (GRCh38, 1-based): chr7:66,089,632-66,089,633, TG deleted. VCF-style (leftmost placement, unchanged base first): chr7-66089631-TTG-T. GRCh37 (hg19) VCF-style: chr7-65554618-TTG-T.
Other names: c.999_1000del, p.Phe333fs (NM_001024943.2); c.939_940del, p.Phe313fs (NM_001024944.2); c.921_922del, p.Phe307fs (NM_001024946.2); short protein forms F307fs, F313fs, F333fs.
Identifiers: ClinVar variation 1726686 (VCV001726686.2), dbSNP rs2485021324, ClinGen allele CA2580077308.
Genomic context (GRCh38, chr7:66,089,631, plus strand): 5'-GGGGGCTGCTAGGCCCTCACCTCCTGCCATGTGCCTCCCAGGAGGACAAGGAAGCTGTGT[TTG>T]AAGTGTCAGACACTATGAGTGCCGTGCTCCAGGTGGCCACTGGCGTCATCTCTACGCTGC-3'